The following is an entry in ClinVar:

NM_000350.3(ABCA4):c.1100-3C>T

Gene: ABCA4 (ATP binding cassette subfamily A member 4; minus strand). Cytogenetic location: 1p22.1.
Variant type: single nucleotide variant.
Coding change: c.1100-3C>T on transcript NM_000350.3 (MANE Select); 3 bases into the intron before coding-DNA position 1100, C replaced by T.
Molecular consequence: intron variant.
Genome position (GRCh38, 1-based): chr1:94,079,464, G>A on the plus strand (C>T on the coding strand, the complement: ABCA4 is on the minus strand). VCF-style: chr1-94079464-G-A. GRCh37 (hg19) VCF-style: chr1-94545020-G-A.
Identifiers: ClinVar variation 874019 (VCV000874019.7), dbSNP rs770191455, ClinGen allele CA958630.

ClinVar aggregate classification (germline): Uncertain significance. Review status: criteria provided, multiple submitters, no conflicts (2 of 4 stars). 3 submissions from 3 submitters: Uncertain significance (3). Last evaluated 2022-09-27.

Conditions:
ABCA4-related disorder. Also called: ABCA4-related condition; ABCA4-related disorders. Identifiers: MedGen CN239167.

Allele frequency attached by ClinVar (database versions not stated): gnomAD exomes below 0.00001; ExAC 0.00001.
gnomAD v4.1: 1 of 1,614,178 alleles (0.000062%); highest among the groups gnomAD compares: Admixed American, 0.0017%; no homozygotes.

Submissions (3):

Labcorp Genetics (formerly Invitae), Labcorp
Classification: Uncertain significance. Last evaluated: 2022-09-27. Review status: criteria provided, single submitter. Criteria: Invitae Variant Classification Sherloc (09022015). Collection method: clinical testing. Allele origin: germline.
Comment: This sequence change falls in intron 8 of the ABCA4 gene. It does not directly change the encoded amino acid sequence of the ABCA4 protein. It affects a nucleotide within the consensus splice site. This variant is present in population databases (rs770191455, gnomAD 0.003%). This variant has not been reported in the literature in individuals affected with ABCA4-related conditions. ClinVar contains an entry for this variant (Variation ID: 874019). Variants that disrupt the consensus splice site are a relatively common cause of aberrant splicing (PMID: 17576681, 9536098). Algorithms developed to predict the effect of sequence changes on RNA splicing suggest that this variant is not likely to affect RNA splicing. In summary, the available evidence is currently insufficient to determine the role of this variant in disease. Therefore, it has been classified as a Variant of Uncertain Significance.

Blueprint Genetics
Classification: Uncertain significance. Last evaluated: 2020-04-21. Review status: criteria provided, single submitter. Criteria: ACMG Guidelines, 2015. Collection method: clinical testing. Allele origin: germline.

Illumina Laboratory Services, Illumina
Classification: Uncertain significance for ABCA4-Related Disorders. Last evaluated: 2018-01-12. Review status: criteria provided, single submitter. Criteria: ICSL Variant Classification Criteria 13 December 2019. Collection method: clinical testing. Allele origin: germline.

Literature cited by the submitters: PubMed 17576681 (cited by Labcorp Genetics (formerly Invitae), Labcorp); PubMed 9536098 (cited by Labcorp Genetics (formerly Invitae), Labcorp).